The following is an entry in ClinVar:

ClinVar aggregate classification (germline): Uncertain significance. Review status: criteria provided, multiple submitters, no conflicts (2 of 4 stars). 2 submissions from 2 submitters: Uncertain significance (2). Last evaluated 2025-09-15.

Allele frequency attached by ClinVar (database versions not stated): gnomAD exomes below 0.00001; TOPMed below 0.00001.
gnomAD v4.1: 1 of 1,612,456 alleles (0.000062%); highest among the groups gnomAD compares: Non-Finnish European, 0.000085%; no homozygotes.

Submissions (2):

Labcorp Genetics (formerly Invitae), Labcorp
Classification: Uncertain significance. Last evaluated: 2025-09-15. Review status: criteria provided, single submitter. Criteria: Invitae Variant Classification Sherloc (09022015). Collection method: clinical testing. Allele origin: germline.
Comment: This sequence change replaces isoleucine, which is neutral and non-polar, with valine, which is neutral and non-polar, at codon 301 of the DHX37 protein (p.Ile301Val). This variant is not present in population databases (gnomAD no frequency). This variant has not been reported in the literature in individuals affected with DHX37-related conditions. ClinVar contains an entry for this variant (Variation ID: 2011520). Invitae Evidence Modeling of protein sequence and biophysical properties (such as structural, functional, and spatial information, amino acid conservation, physicochemical variation, residue mobility, and thermodynamic stability) indicates that this missense variant is not expected to disrupt DHX37 protein function with a negative predictive value of 80%. In summary, the available evidence is currently insufficient to determine the role of this variant in disease. Therefore, it has been classified as a Variant of Uncertain Significance.

GeneDx
Classification: Uncertain significance. Last evaluated: 2025-08-13. Review status: criteria provided, single submitter. Criteria: GeneDx Variant Classification Process June 2021. Collection method: clinical testing. Allele origin: germline.
Comment: Not observed at significant frequency in large population cohorts (gnomAD); In silico analysis suggests that this missense variant does not alter protein structure/function; Has not been previously published as pathogenic or benign to our knowledge

NM_032656.4(DHX37):c.901A>G (p.Ile301Val)

Gene: DHX37 (DEAH-box helicase 37; minus strand). Cytogenetic location: 12q24.31.
Variant type: single nucleotide variant.
Coding change: c.901A>G on transcript NM_032656.4 (MANE Select); coding-DNA position 901, A replaced by G.
Protein change: p.Ile301Val; replaces isoleucine 301 with valine.
Molecular consequence: missense variant.
Genome position (GRCh38, 1-based): chr12:124,975,498, T>C on the plus strand (A>G on the coding strand, the complement: DHX37 is on the minus strand). VCF-style: chr12-124975498-T-C. GRCh37 (hg19) VCF-style: chr12-125460044-T-C.
Other names: c.901A>G (NM_032656.3); short protein forms I301V.
Identifiers: ClinVar variation 2011520 (VCV002011520.6), dbSNP rs1954620286, ClinGen allele CA387226977.